The following is an entry in ClinVar:

ClinVar aggregate classification (germline): Uncertain significance. Review status: criteria provided, multiple submitters, no conflicts (2 of 4 stars). 3 submissions from 3 submitters: Uncertain significance (3). Last evaluated 2025-01-28.

Conditions:
Medulloblastoma (MDB). Also called: Medulloblastoma, somatic; MEDULLOBLASTOMA PREDISPOSITION SYNDROME. Identifiers: Orphanet 616, MedGen C0025149, MeSH D008527, MONDO:0007959, OMIM 155255, HP:0002885.
Gorlin syndrome. Also called: Nevoid Basal Cell Carcinoma Syndrome; Basal cell nevus syndrome. Identifiers: Orphanet 377, MedGen C0004779, MONDO:0007187.
Hereditary cancer-predisposing syndrome. Also called: Hereditary neoplastic syndrome; Neoplastic Syndromes, Hereditary; Tumor predisposition; Hereditary Cancer Syndrome. Identifiers: Orphanet 140162, MedGen C0027672, MeSH D009386, MONDO:0015356.
Familial meningioma. Also called: Meningioma, familial, susceptibility to. Identifiers: Orphanet 263662, MedGen C3551915, MONDO:0011789, OMIM 607174.

Allele frequency attached by ClinVar (database versions not stated): gnomAD exomes below 0.00001; TOPMed 0.00001.

Submissions (3):

Ambry Genetics
Classification: Uncertain significance for Hereditary cancer-predisposing syndrome. Last evaluated: 2025-01-28. Review status: criteria provided, single submitter. Criteria: Ambry Variant Classification Scheme 2023. Collection method: clinical testing. Allele origin: germline.
Comment: The p.P6S variant (also known as c.16C>T), located in coding exon 1 of the SUFU gene, results from a C to T substitution at nucleotide position 16. The proline at codon 6 is replaced by serine, an amino acid with similar properties. This amino acid position is conserved. In addition, the in silico prediction for this alteration is inconclusive. Since supporting evidence is limited at this time, the clinical significance of this alteration remains unclear.

Labcorp Genetics (formerly Invitae), Labcorp
Classification: Uncertain significance for Gorlin syndrome; Medulloblastoma. Last evaluated: 2024-11-10. Review status: criteria provided, single submitter. Criteria: Invitae Variant Classification Sherloc (09022015). Collection method: clinical testing. Allele origin: germline.
Comment: This sequence change replaces proline, which is neutral and non-polar, with serine, which is neutral and polar, at codon 6 of the SUFU protein (p.Pro6Ser). This variant is not present in population databases (gnomAD no frequency). This variant has not been reported in the literature in individuals affected with SUFU-related conditions. ClinVar contains an entry for this variant (Variation ID: 1024959). An algorithm developed to predict the effect of missense changes on protein structure and function (PolyPhen-2) suggests that this variant is likely to be disruptive. In summary, the available evidence is currently insufficient to determine the role of this variant in disease. Therefore, it has been classified as a Variant of Uncertain Significance.

Baylor Genetics
Classification: Uncertain significance for Familial meningioma. Last evaluated: 2023-12-26. Review status: criteria provided, single submitter. Criteria: ACMG Guidelines, 2015. Collection method: clinical testing. Allele origin: unknown.

NM_016169.4(SUFU):c.16C>T (p.Pro6Ser)

Genes: SUFU (SUFU negative regulator of hedgehog signaling; plus strand), LOC130004614 (ATAC-STARR-seq lymphoblastoid silent region 2764; plus strand). Cytogenetic location: 10q24.32.
Variant type: single nucleotide variant.
Coding change: c.16C>T on transcript NM_016169.4 (MANE Select); coding-DNA position 16, C replaced by T.
Protein change: p.Pro6Ser; replaces proline 6 with serine.
Molecular consequence: missense variant.
Genome position (GRCh38, 1-based): chr10:102,504,168, C>T. VCF-style: chr10-102504168-C-T. GRCh37 (hg19) VCF-style: chr10-104263925-C-T.
Other names: c.16C>T, p.Pro6Ser (NM_001178133.2); short protein forms P6S.
Identifiers: ClinVar variation 1024959 (VCV001024959.13), dbSNP rs2062288467, ClinGen allele CA377886092.